The following is an entry in ClinVar:

NM_005502.4(ABCA1):c.948G>A (p.Gly316=)

Gene: ABCA1 (ATP binding cassette subfamily A member 1; minus strand). Cytogenetic location: 9q31.1.
Variant type: single nucleotide variant.
Coding change: c.948G>A on transcript NM_005502.4 (MANE Select); coding-DNA position 948, G replaced by A.
Protein change: p.Gly316=; no amino-acid change (glycine 316 retained).
Molecular consequence: synonymous variant.
Genome position (GRCh38, 1-based): chr9:104,840,385, C>T on the plus strand (G>A on the coding strand, the complement: ABCA1 is on the minus strand). VCF-style: chr9-104840385-C-T. GRCh37 (hg19) VCF-style: chr9-107602666-C-T.
Other names: p.Gly316=.
Identifiers: ClinVar variation 364450 (VCV000364450.19), dbSNP rs2246841, ClinGen allele CA5169157.
Genomic context (GRCh38, chr9:104,840,385, plus strand): 5'-GCCTCCAAAGAGGGCTTTGTAGTTGTTGTCCTCATACCAGTTGAGAGACTTGATCTTCAG[C>T]CCCCCTCCCTCGGGATGCCCGCAGACAATACGAGACACAGCCTGGTAGATTTGGGTGGAG-3'
Protein context (NP_005493.2, residues 306-326): RIVCGHPEGG[Gly316=]LKIKSLNWYE

ClinVar aggregate classification (germline): Benign. Review status: criteria provided, multiple submitters, no conflicts (2 of 4 stars). 8 submissions from 7 submitters: Benign (8). Last evaluated 2026-02-04.

Conditions:
Hypoalphalipoproteinemia, primary, 1. Identifiers: Orphanet 425, MedGen C5231558, MONDO:0011393, OMIM 604091.
Tangier disease (TGD). Also called: HIGH DENSITY LIPOPROTEIN DEFICIENCY, TANGIER TYPE; HIGH DENSITY LIPOPROTEIN DEFICIENCY, TYPE 1; Cholesterol thesaurismosis. Identifiers: Orphanet 31150, MedGen C0039292, MONDO:0008783, OMIM 205400.
Cardiovascular phenotype. Identifiers: MedGen CN230736.

Allele frequency attached by ClinVar (database versions not stated): gnomAD exomes 0.10994 and 0.12236; ExAC 0.12295; gnomAD 0.14452 and 0.14663; ESP Exome Variant Server 0.14939; 1000 Genomes Project 0.15256; TOPMed 0.15400; 1000 Genomes Project 30x 0.15490.

Submissions (8):

Labcorp Genetics (formerly Invitae), Labcorp
Classification: Benign. Last evaluated: 2026-02-04. Review status: criteria provided, single submitter. Criteria: Invitae Variant Classification Sherloc (09022015). Collection method: clinical testing. Allele origin: germline.

Blueprint Genetics
Classification: Benign. Last evaluated: 2024-11-27. Review status: criteria provided, single submitter. Criteria: ACMG Guidelines, 2015. Collection method: clinical testing. Allele origin: germline.

Ambry Genetics
Classification: Benign for Cardiovascular phenotype. Last evaluated: 2019-02-05. Review status: criteria provided, single submitter. Criteria: Ambry Variant Classification Scheme 2023. Collection method: clinical testing. Allele origin: germline.

GeneDx
Classification: Benign. Last evaluated: 2018-08-30. Review status: criteria provided, single submitter. Criteria: GeneDx Variant Classification Process June 2021. Collection method: clinical testing. Allele origin: germline. Affected: yes.

Illumina Laboratory Services, Illumina
Classification: Benign for Tangier disease. Last evaluated: 2018-01-13. Review status: criteria provided, single submitter. Criteria: ICSL Variant Classification Criteria 13 December 2019. Collection method: clinical testing. Allele origin: germline.
Comment: This variant was observed in the ICSL laboratory as part of a predisposition screen in an ostensibly healthy population. It had not been previously curated by ICSL or reported in the Human Gene Mutation Database (HGMD: prior to June 1st, 2018), and was therefore a candidate for classification through an automated scoring system. Utilizing variant allele frequency, disease prevalence and penetrance estimates, and inheritance mode, an automated score was calculated to assess if this variant is too frequent to cause the disease. Based on the score and internal cut-off values, a variant classified as benign is not then subjected to further curation. The score for this variant resulted in a classification of benign for this disease.

Illumina Laboratory Services, Illumina
Classification: Benign for Hypoalphalipoproteinemia, primary, 1. Last evaluated: 2018-01-13. Review status: criteria provided, single submitter. Criteria: ICSL Variant Classification Criteria 13 December 2019. Collection method: clinical testing. Allele origin: germline.
Comment: the same text as in the submission from Illumina Laboratory Services, Illumina above.

Mayo Clinic Laboratories, Mayo Clinic
Classification: Benign. Last evaluated: 2017-07-25. Review status: criteria provided, single submitter. Criteria: ACMG Guidelines, 2015. Collection method: clinical testing. Allele origin: germline. Observed: 281 variant alleles.

Breakthrough Genomics
Classification: Benign. Review status: criteria provided, single submitter. Criteria: ACMG Guidelines, 2015. Collection method: not provided. Allele origin: germline. Inheritance: Autosomal recessive inheritance. Affected: yes.